The following is an entry in ClinVar:

NM_001429.4(EP300):c.4385G>A (p.Arg1462Gln)

Gene: EP300 (EP300 lysine acetyltransferase; plus strand). Cytogenetic location: 22q13.2.
Variant type: single nucleotide variant.
Coding change: c.4385G>A on transcript NM_001429.4 (MANE Select); coding-DNA position 4385, G replaced by A.
Protein change: p.Arg1462Gln; replaces arginine 1462 with glutamine.
Molecular consequence: missense variant.
Genome position (GRCh38, 1-based): chr22:41,170,504, G>A. VCF-style: chr22-41170504-G-A. GRCh37 (hg19) VCF-style: chr22-41566508-G-A.
Other names: c.4307G>A, p.Arg1436Gln (NM_001362843.2); short protein forms R1436Q, R1462Q.
Identifiers: ClinVar variation 3341119 (VCV003341119.2).

ClinVar aggregate classification (germline): Likely benign (1 of 4 stars; one submission).

gnomAD v4.1: 1 of 1,614,060 alleles (0.000062%); no homozygotes.

Submission:

Centre for Clinical Genetics and Genomic Diagnostics, Zealand University Hospital
Classification: Likely benign. Last evaluated: 2025-02-28. Review status: criteria provided, single submitter. Criteria: ACMG Guidelines, 2015. Collection method: clinical testing. Allele origin: germline.
Comment: Reclassified from VUS